The following is an entry in ClinVar:

ClinVar aggregate classification (germline): Uncertain significance (1 of 4 stars; one submission).

Allele frequency attached by ClinVar (database versions not stated): gnomAD exomes below 0.00001; ExAC 0.00001.

Submission:

Labcorp Genetics (formerly Invitae), Labcorp
Classification: Uncertain significance. Last evaluated: 2022-02-03. Review status: criteria provided, single submitter. Criteria: Invitae Variant Classification Sherloc (09022015). Collection method: clinical testing. Allele origin: germline.
Comment: In summary, the available evidence is currently insufficient to determine the role of this variant in disease. Therefore, it has been classified as a Variant of Uncertain Significance. Algorithms developed to predict the effect of missense changes on protein structure and function are either unavailable or do not agree on the potential impact of this missense change (SIFT: "Not Available"; PolyPhen-2: "Probably Damaging"; Align-GVGD: "Not Available"). This variant has not been reported in the literature in individuals affected with GUCA1A-related conditions. This variant is present in population databases (rs775506953, gnomAD 0.0009%). This sequence change replaces aspartic acid, which is acidic and polar, with alanine, which is neutral and non-polar, at codon 175 of the GUCA1A protein (p.Asp175Ala).

NM_001384910.1(GUCA1A):c.524A>C (p.Asp175Ala)

Genes: GUCA1A (guanylate cyclase activator 1A; plus strand), GUCA1ANB-GUCA1A (GUCA1ANB-GUCA1A readthrough; plus strand). Cytogenetic location: 6p21.1.
Variant type: single nucleotide variant.
Coding change: c.524A>C on transcript NM_001384910.1 (MANE Select); coding-DNA position 524, A replaced by C.
Protein change: p.Asp175Ala; replaces aspartic acid 175 with alanine.
Molecular consequence: missense variant.
Genome position (GRCh38, 1-based): chr6:42,179,321, A>C. VCF-style: chr6-42179321-A-C. GRCh37 (hg19) VCF-style: chr6-42147059-A-C.
Other names: c.524A>C, p.Asp175Ala (NM_000409.5, NM_001319061.2, NM_001319062.2); short protein forms D175A.
Identifiers: ClinVar variation 1483334 (VCV001483334.8), dbSNP rs775506953, ClinGen allele CA3805433.
Genomic context (GRCh38, chr6:42,179,321, plus strand): 5'-AGTTTATAGAGGGCGTCCAGAAGGACCAGATGCTCCTGGACACACTGACACGAAGCCTGG[A>C]CCTTACCCGCATCGTGCGCAGGCTCCAGAATGGCGAGCAAGACGAGGAGGGGGCTGACGA-3'
Protein context (NP_001371839.1, residues 165-185): MLLDTLTRSL[Asp175Ala]LTRIVRRLQN